The following is an entry in ClinVar:

ClinVar aggregate classification (germline): Conflicting classifications of pathogenicity. Review status: criteria provided, conflicting classifications (1 of 4 stars). 2 submissions from 2 submitters: Pathogenic (1); Uncertain significance (1). Last evaluated 2026-01-17.

Conditions:
MEGF8-related Carpenter syndrome. Also called: Carpenter syndrome 2. Identifiers: Orphanet 65759, MedGen C3554247, MONDO:0013998, OMIM 614976.

Submissions (2):

Labcorp Genetics (formerly Invitae), Labcorp
Classification: Pathogenic for MEGF8-related Carpenter syndrome. Last evaluated: 2026-01-17. Review status: criteria provided, single submitter. Criteria: Invitae Variant Classification Sherloc (09022015). Collection method: clinical testing. Allele origin: germline.
Comment: This sequence change creates a premature translational stop signal (p.Phe1685Valfs*56) in the MEGF8 gene. It is expected to result in an absent or disrupted protein product. Loss-of-function variants in MEGF8 are known to be pathogenic (PMID: 23063620). This variant is present in population databases (rs754534130, gnomAD 0.02%). This variant has not been reported in the literature in individuals affected with MEGF8-related conditions. For these reasons, this variant has been classified as Pathogenic.

Blueprint Genetics
Classification: Uncertain significance. Last evaluated: 2023-03-23. Review status: criteria provided, single submitter. Criteria: ACMG Guidelines, 2015. Collection method: clinical testing. Allele origin: germline.

Literature cited by the submitters: PubMed 23063620 (cited by Labcorp Genetics (formerly Invitae), Labcorp).

NM_001271938.2(MEGF8):c.5253dup (p.Phe1752fs)

Gene: MEGF8 (multiple EGF like domains 8; plus strand). Cytogenetic location: 19q13.2.
Variant type: Duplication.
Coding change: c.5253dup on transcript NM_001271938.2 (MANE Select); coding-DNA position 5253, one base duplicated (G; older notation c.5253dupG).
Protein change: p.Phe1752fs; shifts the reading frame from phenylalanine 1752.
Molecular consequence: frameshift variant.
Genome position (GRCh38, 1-based): chr19:42,358,864, G duplicated; the last of 5 consecutive G bases (chr19:42,358,860-42,358,864); duplicating any one gives the same sequence. VCF-style (leftmost placement, unchanged base first): chr19-42358859-T-TG. GRCh37 (hg19) VCF-style: chr19-42863011-T-TG.
Other names: c.5052dup, p.Phe1685fs (NM_001410.3); short protein forms F1752fs, F1685fs.
Identifiers: ClinVar variation 4743508 (VCV004743508.3).